The following is an entry in ClinVar:

ClinVar aggregate classification (germline): Uncertain significance (1 of 4 stars; one submission).

Conditions:
Familial adenomatous polyposis 1 (FAP1). Also called: POLYPOSIS, ADENOMATOUS INTESTINAL; FAMILIAL ADENOMATOUS POLYPOSIS 1, ATTENUATED. Identifiers: MedGen C2713442, MONDO:0021056, OMIM 175100. Disease mechanism: loss of function.

Submission:

Labcorp Genetics (formerly Invitae), Labcorp
Classification: Uncertain significance for Familial adenomatous polyposis 1. Last evaluated: 2020-07-14. Review status: criteria provided, single submitter. Criteria: Invitae Variant Classification Sherloc (09022015). Collection method: clinical testing. Allele origin: germline.
Comment: This sequence change replaces proline with leucine at codon 2740 of the APC protein (p.Pro2740Leu). The proline residue is moderately conserved and there is a moderate physicochemical difference between proline and leucine. This variant is not present in population databases (ExAC no frequency). This variant has not been reported in the literature in individuals with APC-related conditions. Algorithms developed to predict the effect of missense changes on protein structure and function are either unavailable or do not agree on the potential impact of this missense change (SIFT: "Not Available"; PolyPhen-2: "Benign"; Align-GVGD: "Not Available"). In summary, the available evidence is currently insufficient to determine the role of this variant in disease. Therefore, it has been classified as a Variant of Uncertain Significance.

NM_000038.6(APC):c.8218_8219delinsTT (p.Pro2740Leu)

Gene: APC (APC regulator of Wnt signaling pathway; plus strand). Cytogenetic location: 5q22.2.
Variant type: Indel.
Coding change: c.8218_8219delinsTT on transcript NM_000038.6 (MANE Select); coding-DNA positions 8218 to 8219, CC replaced by TT.
Protein change: p.Pro2740Leu; replaces proline 2740 with leucine.
Molecular consequence: missense variant.
Genome position (GRCh38, 1-based): chr5:112,843,812-112,843,813, CC replaced by TT. VCF-style: chr5-112843812-CC-TT. GRCh37 (hg19) VCF-style: chr5-112179509-CC-TT.
Other names: c.8218_8219delinsTT, p.Pro2740Leu (NM_001127510.3, NM_001354895.2); c.8164_8165delinsTT, p.Pro2722Leu (NM_001127511.3); c.8272_8273delinsTT, p.Pro2758Leu (NM_001354896.2); c.8248_8249delinsTT, p.Pro2750Leu (NM_001354897.2); c.8143_8144delinsTT, p.Pro2715Leu (NM_001354898.2); c.8134_8135delinsTT, p.Pro2712Leu (NM_001354899.2); c.8095_8096delinsTT, p.Pro2699Leu (NM_001354900.2); c.8041_8042delinsTT, p.Pro2681Leu (NM_001354901.2); and 5 more; short protein forms P2457L, P2580L, P2614L, P2639L, P2649L, P2681L, P2699L, P2712L.
Identifiers: ClinVar variation 1024575 (VCV001024575.8), dbSNP rs1766681826, ClinGen allele CA1573476907.